The following is an entry in ClinVar:

ClinVar aggregate classification (germline): Uncertain significance (1 of 4 stars; one submission).

Allele frequency attached by ClinVar (database versions not stated): ExAC 0.00001.

Submission:

CeGaT Center for Human Genetics Tuebingen
Classification: Uncertain significance. Last evaluated: 2023-10-01. Review status: criteria provided, single submitter. Criteria: CeGaT Center For Human Genetics Tuebingen Variant Classification Criteria Version 2. Collection method: clinical testing. Allele origin: germline. Affected: yes. Observed: 1 variant allele.
Comment: RYR3: PM2, BP4

NM_001036.6(RYR3):c.7899+8T>C

Gene: RYR3 (ryanodine receptor 3; plus strand). Cytogenetic location: 15q14.
Variant type: single nucleotide variant.
Coding change: c.7899+8T>C on transcript NM_001036.6 (MANE Select); 8 bases into the intron after coding-DNA position 7899, T replaced by C.
Molecular consequence: intron variant.
Genome position (GRCh38, 1-based): chr15:33,742,452, T>C. VCF-style: chr15-33742452-T-C. GRCh37 (hg19) VCF-style: chr15-34034653-T-C.
Other names: c.7899+8T>C (NM_001243996.4).
Identifiers: ClinVar variation 2645143 (VCV002645143.24), dbSNP rs770575530, ClinGen allele CA7460020.